The following is an entry in ClinVar:

NM_000059.4(BRCA2):c.6179C>A (p.Thr2060Lys)

Gene: BRCA2 (BRCA2 DNA repair associated; plus strand). Cytogenetic location: 13q13.1.
Variant type: single nucleotide variant.
Coding change: c.6179C>A on transcript NM_000059.4 (MANE Select); coding-DNA position 6179, C replaced by A.
Protein change: p.Thr2060Lys; replaces threonine 2060 with lysine.
Molecular consequence: missense variant. On other transcripts: non-coding transcript variant (1), intron variant (2).
Genome position (GRCh38, 1-based): chr13:32,340,534, C>A. VCF-style: chr13-32340534-C-A. GRCh37 (hg19) VCF-style: chr13-32914671-C-A.
Other names: c.6179C>A, p.Thr2060Lys (NM_001406719.1, NM_001406720.1); c.1910-4024C>A (NM_001406721.1); c.425-4024C>A (NM_001406722.1); short protein forms T2060K.
Identifiers: ClinVar variation 2845337 (VCV002845337.3), dbSNP rs2072548301, ClinGen allele CA387788388.

ClinVar aggregate classification (germline): Uncertain significance (1 of 4 stars; one submission).

Conditions:
Hereditary breast ovarian cancer syndrome. Also called: Hereditary breast and ovarian cancer syndrome (HBOC); Breast and ovarian cancer; BRCA1- and BRCA2-Associated Hereditary Breast and Ovarian Cancer; Hereditary breast and ovarian cancer syndrome; Hereditary breast and ovarian cancer; Hereditary breast and/or ovarian cancer syndrome. Identifiers: Orphanet 145, MedGen C0677776, MeSH D061325, MONDO:0003582. Disease mechanism: loss of function.

Submission:

Labcorp Genetics (formerly Invitae), Labcorp
Classification: Uncertain significance for Hereditary breast ovarian cancer syndrome. Last evaluated: 2024-05-19. Review status: criteria provided, single submitter. Criteria: Invitae Variant Classification Sherloc (09022015). Collection method: clinical testing. Allele origin: germline.
Comment: This sequence change replaces threonine, which is neutral and polar, with lysine, which is basic and polar, at codon 2060 of the BRCA2 protein (p.Thr2060Lys). This variant is not present in population databases (gnomAD no frequency). This variant has not been reported in the literature in individuals affected with BRCA2-related conditions. Advanced modeling of protein sequence and biophysical properties (such as structural, functional, and spatial information, amino acid conservation, physicochemical variation, residue mobility, and thermodynamic stability) performed at Invitae indicates that this missense variant is not expected to disrupt BRCA2 protein function with a negative predictive value of 95%. In summary, the available evidence is currently insufficient to determine the role of this variant in disease. Therefore, it has been classified as a Variant of Uncertain Significance.